The following is an entry in ClinVar:

NM_000512.5(GALNS):c.1106T>C (p.Leu369Pro)

Gene: GALNS (galactosamine (N-acetyl)-6-sulfatase; minus strand). Cytogenetic location: 16q24.3.
Variant type: single nucleotide variant.
Coding change: c.1106T>C on transcript NM_000512.5 (MANE Select); coding-DNA position 1106, T replaced by C.
Protein change: p.Leu369Pro; replaces leucine 369 with proline.
Molecular consequence: missense variant.
Genome position (GRCh38, 1-based): chr16:88,826,735, A>G on the plus strand (T>C on the coding strand, the complement: GALNS is on the minus strand). VCF-style: chr16-88826735-A-G. GRCh37 (hg19) VCF-style: chr16-88893143-A-G.
Other names: c.551T>C, p.Leu184Pro (NM_001323543.2); c.1124T>C, p.Leu375Pro (NM_001323544.2); short protein forms L184P, L369P, L375P.
Identifiers: ClinVar variation 1048494 (VCV001048494.3), dbSNP rs2142995771, ClinGen allele CA397098224.

ClinVar aggregate classification (germline): Uncertain significance (1 of 4 stars; one submission).

Conditions:
Mucopolysaccharidosis, MPS-IV-A (MPS4A). Also called: Mucopolysaccharidosis type IV A; Mucopolysaccharidosis Type IVA; Morquio syndrome A, mild; MORQUIO SYNDROME A; MPS IVA; mucopolysaccharidosis type 4A. Identifiers: Orphanet 309297, Orphanet 582, MedGen C0086651, MONDO:0009659, OMIM 253000.

Allele frequency attached by ClinVar (database versions not stated): gnomAD exomes below 0.00001.
gnomAD v4.1: 2 of 1,612,388 alleles (0.00012%); highest among the groups gnomAD compares: Non-Finnish European, 0.00017%; no homozygotes.

Submission:

Laboratory of Diagnosis and Therapy of Lysosomal Disorders, University of Padova
Classification: Uncertain significance for Mucopolysaccharidosis, MPS-IV-A. Last evaluated: 2021-02-01. Review status: criteria provided, single submitter. Criteria: ACMG Guidelines, 2015. Collection method: curation. Allele origin: germline. Affected: yes.
Comment: Absent from gnomAD v2.1.1 (PM2_moderate)

Literature cited by the submitters: PubMed 16287098; PubMed 24726177; PubMed 34387910.